The following is an entry in ClinVar:

NM_001943.5(DSG2):c.-15G>A

Genes: DSG2 (desmoglein 2; plus strand), LOC130062340 (ATAC-STARR-seq lymphoblastoid silent region 9384; plus strand). Cytogenetic location: 18q12.1.
Variant type: single nucleotide variant.
Coding change: c.-15G>A on transcript NM_001943.5 (MANE Select); 15 bases upstream of the start codon, G replaced by A.
Molecular consequence: 5 prime UTR variant.
Genome position (GRCh38, 1-based): chr18:31,498,237, G>A. VCF-style: chr18-31498237-G-A. GRCh37 (hg19) VCF-style: chr18-29078200-G-A.
Identifiers: ClinVar variation 163198 (VCV000163198.7), dbSNP rs727502982, ClinGen allele CA021506.

ClinVar aggregate classification (germline): Uncertain significance. Review status: criteria provided, single submitter (1 of 4 stars). 2 submissions from 2 submitters: Uncertain significance (1). 1 of the submissions does not count toward it. Last evaluated 2019-12-23.

Conditions:
Cardiomyopathy (CMYO). Also called: Cardiomyopathies. Identifiers: Orphanet 167848, MedGen C0878544, MONDO:0004994, HP:0001638. Inheritance: Various modes of inheritance.

Allele frequency attached by ClinVar (database versions not stated): gnomAD exomes below 0.00001; gnomAD 0.00001; TOPMed 0.00001.
gnomAD v4.1: 2 of 1,253,772 alleles (0.00016%); highest among the groups gnomAD compares: African/African-American, 0.0031%; no homozygotes.

Submissions (2):

Color Diagnostics, LLC DBA Color Health
Classification: Uncertain significance for Cardiomyopathy. Last evaluated: 2019-12-23. Review status: criteria provided, single submitter. Criteria: ACMG Guidelines, 2015. Collection method: clinical testing. Allele origin: germline.
Comment: This variant causes a single nucleotide substitution in the 5' untranslated region of the DSG2 gene. To our knowledge, functional studies have not been performed for this variant. This variant has not been reported in individuals affected with cardiovascular disorders in the literature. This variant has not been identified in the general population by the Genome Aggregation Database (gnomAD). The available evidence is insufficient to determine the role of this variant in disease conclusively. Therefore, this variant is classified as a Variant of Uncertain Significance.

Laboratory for Molecular Medicine, Mass General Brigham Personalized Medicine
No classification provided. Last evaluated: 2013-03-25. Review status: no classification provided. Collection method: clinical testing. Allele origin: germline. Observed: 1 variant allele. Not counted in ClinVar's aggregate classification.